The following is an entry in ClinVar:

ClinVar aggregate classification (germline): Uncertain significance. Review status: criteria provided, multiple submitters, no conflicts (2 of 4 stars). 2 submissions from 2 submitters: Uncertain significance (2). Last evaluated 2020-02-06.

Conditions:
Autosomal recessive limb-girdle muscular dystrophy type R18 (LGMDR18). Also called: Autosomal recessive limb-girdle muscular dystrophy type 2S; Limb-girdle muscular dystrophy, type 2S; MUSCULAR DYSTROPHY, LIMB-GIRDLE, AUTOSOMAL RECESSIVE 18. Identifiers: Orphanet 369840, MedGen C4517996, MONDO:0014144, OMIM 615356.

Allele frequency attached by ClinVar (database versions not stated): gnomAD exomes below 0.00001; TOPMed below 0.00001; gnomAD 0.00001.
gnomAD v4.1: 4 of 1,614,022 alleles (0.00025%); highest among the groups gnomAD compares: Non-Finnish European, 0.00034%; no homozygotes.

Submissions (2):

Labcorp Genetics (formerly Invitae), Labcorp
Classification: Uncertain significance for Autosomal recessive limb-girdle muscular dystrophy type R18. Last evaluated: 2020-02-06. Review status: criteria provided, single submitter. Criteria: Invitae Variant Classification Sherloc (09022015). Collection method: clinical testing. Allele origin: germline.
Comment: In summary, the available evidence is currently insufficient to determine the role of this variant in disease. Therefore, it has been classified as a Variant of Uncertain Significance. Algorithms developed to predict the effect of missense changes on protein structure and function (SIFT, PolyPhen-2, Align-GVGD) all suggest that this variant is likely to be tolerated, but these predictions have not been confirmed by published functional studies and their clinical significance is uncertain. This variant has not been reported in the literature in individuals with TRAPPC11-related conditions. ClinVar contains an entry for this variant (Variation ID: 448696). This variant is not present in population databases (ExAC no frequency). This sequence change replaces threonine with serine at codon 83 of the TRAPPC11 protein (p.Thr83Ser). The threonine residue is highly conserved and there is a small physicochemical difference between threonine and serine.

Athena Diagnostics
Classification: Uncertain significance. Last evaluated: 2017-04-12. Review status: criteria provided, single submitter. Criteria: Athena Diagnostics Criteria. Collection method: clinical testing. Allele origin: germline.

NM_021942.6(TRAPPC11):c.248C>G (p.Thr83Ser)

Gene: TRAPPC11 (trafficking protein particle complex subunit 11; plus strand). Cytogenetic location: 4q35.1.
Variant type: single nucleotide variant.
Coding change: c.248C>G on transcript NM_021942.6 (MANE Select); coding-DNA position 248, C replaced by G.
Protein change: p.Thr83Ser; replaces threonine 83 with serine.
Molecular consequence: missense variant.
Genome position (GRCh38, 1-based): chr4:183,666,300, C>G. VCF-style: chr4-183666300-C-G. GRCh37 (hg19) VCF-style: chr4-184587453-C-G.
Other names: c.248C>G, p.Thr83Ser (NM_199053.3); short protein forms T83S.
Identifiers: ClinVar variation 448696 (VCV000448696.8), dbSNP rs1024182354, ClinGen allele CA111834994.
Genomic context (GRCh38, chr4:183,666,300, plus strand): 5'-TCTGCCAATGTTTGCAGAGAACTTCATATGAGTGGTACATTCCTAAAGGGATCTTAAAGA[C>G]TGGCTGGATGAATAAGCATCTGAATCTGGTGCCAGCCCTGGTGGTTGTGTTCTATGAACT-3'
Protein context (NP_068761.4, residues 73-93): EWYIPKGILK[Thr83Ser]GWMNKHLNLV